The following is an entry in ClinVar:

NM_006231.4(POLE):c.6826T>G (p.Trp2276Gly)

Gene: POLE (DNA polymerase epsilon, catalytic subunit; minus strand). Cytogenetic location: 12q24.33.
Variant type: single nucleotide variant.
Coding change: c.6826T>G on transcript NM_006231.4 (MANE Select); coding-DNA position 6826, T replaced by G.
Protein change: p.Trp2276Gly; replaces tryptophan 2276 with glycine.
Molecular consequence: missense variant.
Genome position (GRCh38, 1-based): chr12:132,624,732, A>C on the plus strand (T>G on the coding strand, the complement: POLE is on the minus strand). VCF-style: chr12-132624732-A-C. GRCh37 (hg19) VCF-style: chr12-133201318-A-C.
Other names: short protein forms W2276G.
Identifiers: ClinVar variation 2012295 (VCV002012295.4), dbSNP rs2541831879, ClinGen allele CA387365655.

ClinVar aggregate classification (germline): Uncertain significance (1 of 4 stars; one submission).

Submission:

Labcorp Genetics (formerly Invitae), Labcorp
Classification: Uncertain significance. Last evaluated: 2024-05-07. Review status: criteria provided, single submitter. Criteria: Invitae Variant Classification Sherloc (09022015). Collection method: clinical testing. Allele origin: germline.
Comment: This sequence change replaces tryptophan, which is neutral and slightly polar, with glycine, which is neutral and non-polar, at codon 2276 of the POLE protein (p.Trp2276Gly). This variant is not present in population databases (gnomAD no frequency). This variant has not been reported in the literature in individuals affected with POLE-related conditions. ClinVar contains an entry for this variant (Variation ID: 2012295). Advanced modeling of protein sequence and biophysical properties (such as structural, functional, and spatial information, amino acid conservation, physicochemical variation, residue mobility, and thermodynamic stability) performed at Invitae indicates that this missense variant is not expected to disrupt POLE protein function with a negative predictive value of 80%. In summary, the available evidence is currently insufficient to determine the role of this variant in disease. Therefore, it has been classified as a Variant of Uncertain Significance.